The following is an entry in ClinVar:

NM_000222.3(KIT):c.1336A>G (p.Thr446Ala)

Gene: KIT (KIT proto-oncogene, receptor tyrosine kinase; plus strand). Cytogenetic location: 4q12.
Variant type: single nucleotide variant.
Coding change: c.1336A>G on transcript NM_000222.3 (MANE Select); coding-DNA position 1336, A replaced by G.
Protein change: p.Thr446Ala; replaces threonine 446 with alanine.
Molecular consequence: missense variant.
Genome position (GRCh38, 1-based): chr4:54,723,688, A>G. VCF-style: chr4-54723688-A-G. GRCh37 (hg19) VCF-style: chr4-55589854-A-G.
Other names: c.1336A>G, p.Thr446Ala (NM_001093772.2, NM_001385285.1, NM_001385286.1); c.1339A>G, p.Thr447Ala (NM_001385284.1, NM_001385288.1, NM_001385290.1 and 1 more transcripts); short protein forms T446A, T447A.
Identifiers: ClinVar variation 528625 (VCV000528625.13), dbSNP rs1351743650, ClinGen allele CA356905765.

ClinVar aggregate classification (germline): Uncertain significance. Review status: criteria provided, multiple submitters, no conflicts (2 of 4 stars). 3 submissions from 3 submitters: Uncertain significance (3). Last evaluated 2025-11-11.

Conditions:
Gastrointestinal stromal tumor. Also called: Gastrointestinal stroma tumor; Gastrointestinal stromal tumor, somatic. Identifiers: Orphanet 44890, MedGen C0238198, MeSH D046152, MONDO:0011719, OMIM 606764, HP:0100723.
Hereditary cancer-predisposing syndrome. Also called: Tumor predisposition; Hereditary neoplastic syndrome; Hereditary Cancer Syndrome; Neoplastic Syndromes, Hereditary. Identifiers: Orphanet 140162, MedGen C0027672, MeSH D009386, MONDO:0015356.

Allele frequency attached by ClinVar (database versions not stated): gnomAD 0.00002; TOPMed 0.00002.
gnomAD v4.1: 7 of 1,605,336 alleles (0.00044%); highest among the groups gnomAD compares: African/African-American, 0.0054%; no homozygotes.

Submissions (3):

Labcorp Genetics (formerly Invitae), Labcorp
Classification: Uncertain significance for Gastrointestinal stromal tumor. Last evaluated: 2025-11-11. Review status: criteria provided, single submitter. Criteria: Invitae Variant Classification Sherloc (09022015). Collection method: clinical testing. Allele origin: germline.
Comment: This sequence change replaces threonine, which is neutral and polar, with alanine, which is neutral and non-polar, at codon 446 of the KIT protein (p.Thr446Ala). This variant is present in population databases (no rsID available, gnomAD 0.01%). This variant has not been reported in the literature in individuals affected with KIT-related conditions. ClinVar contains an entry for this variant (Variation ID: 528625). An algorithm developed to predict the effect of missense changes on protein structure and function outputs the following: PolyPhen-2: "Benign". The alanine amino acid residue is found in multiple mammalian species, which suggests that this missense change does not adversely affect protein function. In summary, the available evidence is currently insufficient to determine the role of this variant in disease. Therefore, it has been classified as a Variant of Uncertain Significance.

Ambry Genetics
Classification: Uncertain significance for Hereditary cancer-predisposing syndrome. Last evaluated: 2025-07-24. Review status: criteria provided, single submitter. Criteria: Ambry Variant Classification Scheme 2023. Collection method: clinical testing. Allele origin: germline.
Comment: The p.T446A variant (also known as c.1336A>G), located in coding exon 8 of the KIT gene, results from an A to G substitution at nucleotide position 1336. The threonine at codon 446 is replaced by alanine, an amino acid with similar properties. This amino acid position is not well conserved in available vertebrate species. In addition, this alteration is predicted to be tolerated by in silico analysis. Since supporting evidence is limited at this time, the clinical significance of this alteration remains unclear.

St. Jude Molecular Pathology, St. Jude Children's Research Hospital
Classification: Uncertain significance for Gastrointestinal stromal tumor. Last evaluated: 2023-12-19. Review status: criteria provided, single submitter. Criteria: St. Jude Assertion Criteria 2020. Collection method: clinical testing. Allele origin: germline.
Comment: The KIT c.1336A>G (p.Thr446Ala) missense change has a maximum subpopulation frequency of 0.011% in gnomAD v2.1.1. The in silico tool REVEL predicts a benign effect on protein function, but to our knowledge this prediction has not been confirmed by functional studies. To our knowledge, this variant has not been reported in individuals with KIT-related gastrointestinal stromal tumor. In summary, the evidence currently available is insufficient to determine the clinical significance of this variant. It has therefore been classified as of uncertain significance.